The following is an entry in ClinVar:

ClinVar aggregate classification (germline): Benign. Review status: criteria provided, multiple submitters, no conflicts (2 of 4 stars). 13 submissions from 12 submitters: Benign (9). 4 of the submissions do not count toward it. Last evaluated 2026-02-04.

Conditions:
Cardiovascular phenotype. Identifiers: MedGen CN230736.
Lethal congenital glycogen storage disease of heart. Also called: GLYCOGEN STORAGE DISEASE OF HEART; PHOSPHORYLASE KINASE DEFICIENCY OF HEART. Identifiers: Orphanet 439854, MedGen C1849813, MONDO:0009867, OMIM 261740.
Hypertrophic cardiomyopathy 6. Identifiers: MedGen C1833236, MONDO:0010946, OMIM 600858.
Wolff-Parkinson-White pattern. Also called: WPW SYNDROME; Auriculoventricular accessory pathway syndrome; False bundle branch block syndrome; Anomalous ventricular excitation syndrome. Identifiers: MONDO:0008685, OMIM 194200, HP:0001716, MedGen C0043202.
Hypertrophic cardiomyopathy. Also called: HYPERTROPHIC MYOCARDIOPATHY. Identifiers: Orphanet 217569, MedGen C0007194, MeSH D002312, MONDO:0005045, HP:0001639.

Allele frequency attached by ClinVar (database versions not stated): 1000 Genomes Project 0.02776; 1000 Genomes Project 30x 0.02967; TOPMed 0.04658; gnomAD 0.04812 and 0.04935; ExAC 0.05012; gnomAD exomes 0.05093 and 0.06894; ESP Exome Variant Server 0.05505.
gnomAD v4.1: 106,994 of 1,601,166 alleles (6.7%); highest among the groups gnomAD compares: Non-Finnish European, 7.8%; 3,952 homozygotes.

Submissions (13):

Labcorp Genetics (formerly Invitae), Labcorp
Classification: Benign for Lethal congenital glycogen storage disease of heart. Last evaluated: 2026-02-04. Review status: criteria provided, single submitter. Criteria: Invitae Variant Classification Sherloc (09022015). Collection method: clinical testing. Allele origin: germline.

Blueprint Genetics
Classification: Benign. Last evaluated: 2024-11-27. Review status: criteria provided, single submitter. Criteria: ACMG Guidelines, 2015. Collection method: clinical testing. Allele origin: germline.

Illumina Laboratory Services, Illumina
Classification: Benign for Hypertrophic cardiomyopathy 6. Last evaluated: 2018-01-12. Review status: criteria provided, single submitter. Criteria: ICSL Variant Classification Criteria 13 December 2019. Collection method: clinical testing. Allele origin: germline.
Comment: This variant was observed in the ICSL laboratory as part of a predisposition screen in an ostensibly healthy population. It had not been previously curated by ICSL or reported in the Human Gene Mutation Database (HGMD: prior to June 1st, 2018), and was therefore a candidate for classification through an automated scoring system. Utilizing variant allele frequency, disease prevalence and penetrance estimates, and inheritance mode, an automated score was calculated to assess if this variant is too frequent to cause the disease. Based on the score and internal cut-off values, a variant classified as benign is not then subjected to further curation. The score for this variant resulted in a classification of benign for this disease.

Illumina Laboratory Services, Illumina
Classification: Benign for Wolff-Parkinson-White pattern. Last evaluated: 2018-01-12. Review status: criteria provided, single submitter. Criteria: ICSL Variant Classification Criteria 13 December 2019. Collection method: clinical testing. Allele origin: germline.
Comment: the same text as in the submission from Illumina Laboratory Services, Illumina above.

Ambry Genetics
Classification: Benign for Cardiovascular phenotype. Last evaluated: 2014-12-08. Review status: criteria provided, single submitter. Criteria: Ambry Variant Classification Scheme 2023. Collection method: clinical testing. Allele origin: germline.

Laboratory for Molecular Medicine, Mass General Brigham Personalized Medicine
Classification: Benign. Last evaluated: 2012-04-30. Review status: criteria provided, single submitter. Criteria: LMM Criteria. Collection method: clinical testing. Allele origin: germline. Observed: 297 variant alleles.
Comment: 114+12C>T variant in Intron 1 of PRKAG2: This variant is not expected to have cl inical significance because it has been identified in 8% (533/6487) of European American chromosomes from a broad population by the NHLBI Exome Sequencing Proje ct (dbSNP rs77902041) .

GeneDx
Classification: Benign. Last evaluated: 2011-06-27. Review status: criteria provided, single submitter. Criteria: GeneDx Variant Classification (06012015). Collection method: clinical testing. Allele origin: germline. Affected: yes.
Comment: This variant is considered likely benign or benign based on one or more of the following criteria: it is a conservative change, it occurs at a poorly conserved position in the protein, it is predicted to be benign by multiple in silico algorithms, and/or has population frequency not consistent with disease.

Breakthrough Genomics
Classification: Benign. Review status: criteria provided, single submitter. Criteria: ACMG Guidelines, 2015. Collection method: not provided. Allele origin: germline. Inheritance: Autosomal dominant inheritance. Affected: yes.

PreventionGenetics, part of Exact Sciences
Classification: Benign. Review status: criteria provided, single submitter. Criteria: ACMG Guidelines, 2015. Collection method: clinical testing. Allele origin: germline.

Cohesion Phenomics
Classification: Benign for Hypertrophic Cardiomyopathy. Last evaluated: 2022-09-29. Review status: no assertion criteria provided. Criteria: ACMG Guidelines, 2015. Collection method: clinical testing. Allele origin: germline. Affected: yes. Not counted in ClinVar's aggregate classification.

Mayo Clinic Laboratories, Mayo Clinic
Classification: Benign. Last evaluated: 2017-03-14. Review status: no assertion criteria provided. Collection method: clinical testing. Allele origin: unknown. Not counted in ClinVar's aggregate classification.

Clinical Genetics, Academic Medical Center
Classification: Benign. Review status: no assertion criteria provided. Collection method: clinical testing. Allele origin: germline. Affected: yes. Study: VKGL Data-share Consensus. Not counted in ClinVar's aggregate classification.

Joint Genome Diagnostic Labs from Nijmegen and Maastricht, Radboudumc and MUMC+
Classification: Benign. Review status: no assertion criteria provided. Collection method: clinical testing. Allele origin: germline. Affected: yes. Study: VKGL Data-share Consensus. Not counted in ClinVar's aggregate classification.

NM_016203.4(PRKAG2):c.114+12C>T

Gene: PRKAG2 (protein kinase AMP-activated non-catalytic subunit gamma 2; minus strand). Cytogenetic location: 7q36.1.
Variant type: single nucleotide variant.
Coding change: c.114+12C>T on transcript NM_016203.4 (MANE Select); 12 bases into the intron after coding-DNA position 114, C replaced by T.
Molecular consequence: intron variant.
Genome position (GRCh38, 1-based): chr7:151,876,495, G>A on the plus strand (C>T on the coding strand, the complement: PRKAG2 is on the minus strand). VCF-style: chr7-151876495-G-A. GRCh37 (hg19) VCF-style: chr7-151573580-G-A.
Identifiers: ClinVar variation 45689 (VCV000045689.30), dbSNP rs77902041, ClinGen allele CA013600.
Genomic context (GRCh38, chr7:151,876,495, plus strand): 5'-TTAACCGCTTCGGCGCCGGGGACGGGAGCGACAGGAGGGCTGGGGAGCAGGGGACCGAGT[G>A]CTGGGACTCACCGGAATGTGCACGCGCAGCGAACGCCTCTTCTGGCTGGCATTTTTCTTG-3'